The following is an entry in ClinVar:

NM_001388303.1(HECTD4):c.2515T>C (p.Leu839=)

Gene: HECTD4 (HECT domain E3 ubiquitin protein ligase 4; minus strand). Cytogenetic location: 12q24.13.
Variant type: single nucleotide variant.
Coding change: c.2515T>C on transcript NM_001388303.1 (MANE Select); coding-DNA position 2515, T replaced by C.
Protein change: p.Leu839=; no amino-acid change (leucine 839 retained).
Molecular consequence: synonymous variant.
Genome position (GRCh38, 1-based): chr12:112,265,279, A>G on the plus strand (T>C on the coding strand, the complement: HECTD4 is on the minus strand). VCF-style: chr12-112265279-A-G. GRCh37 (hg19) VCF-style: chr12-112703083-A-G.
Other names: c.2515T>C, p.Leu839= (NM_001109662.4).
Identifiers: ClinVar variation 4534106 (VCV004534106.6).

ClinVar aggregate classification (germline): Likely benign (1 of 4 stars; one submission).

gnomAD v4.1: 155 of 1,570,724 alleles (0.0099%); highest among the groups gnomAD compares: Non-Finnish European, 0.013%; no homozygotes.

Submission:

CeGaT Center for Human Genetics Tuebingen
Classification: Likely benign. Last evaluated: 2025-11-01. Review status: criteria provided, single submitter. Criteria: CeGaT Center For Human Genetics Tuebingen Variant Classification Criteria Version 2. Collection method: clinical testing. Allele origin: germline. Affected: yes. Observed: 1 variant allele.
Comment: HECTD4: BP4, BP7